The following is an entry in ClinVar:

NM_207361.6(FREM2):c.2062C>G (p.Arg688Gly)

Gene: FREM2 (FRAS1 related extracellular matrix 2; plus strand). Cytogenetic location: 13q13.3.
Variant type: single nucleotide variant.
Coding change: c.2062C>G on transcript NM_207361.6 (MANE Select); coding-DNA position 2062, C replaced by G.
Protein change: p.Arg688Gly; replaces arginine 688 with glycine.
Molecular consequence: missense variant.
Genome position (GRCh38, 1-based): chr13:38,689,406, C>G. VCF-style: chr13-38689406-C-G. GRCh37 (hg19) VCF-style: chr13-39263543-C-G.
Other names: short protein forms R688G.
Identifiers: ClinVar variation 311953 (VCV000311953.33), dbSNP rs150928081, ClinGen allele CA6954528.

ClinVar aggregate classification (germline): Conflicting classifications of pathogenicity. Review status: criteria provided, conflicting classifications (1 of 4 stars). 4 submissions from 4 submitters: Uncertain significance (1); Benign (1); Likely benign (2). Last evaluated 2026-01-28.

Conditions:
Fraser syndrome 2 (FRASRS2). Identifiers: MedGen C4540036, MONDO:0054738, OMIM 617666.

Allele frequency attached by ClinVar (database versions not stated): 1000 Genomes Project 30x 0.00016; 1000 Genomes Project 0.00020; TOPMed 0.00049; ESP Exome Variant Server 0.00077.
gnomAD v4.1: 722 of 1,613,934 alleles (0.045%); highest among the groups gnomAD compares: Middle Eastern, 0.12%; 5 homozygotes.

Submissions (4):

Labcorp Genetics (formerly Invitae), Labcorp
Classification: Benign. Last evaluated: 2026-01-28. Review status: criteria provided, single submitter. Criteria: Invitae Variant Classification Sherloc (09022015). Collection method: clinical testing. Allele origin: germline.

Blueprint Genetics
Classification: Likely benign. Last evaluated: 2024-09-18. Review status: criteria provided, single submitter. Criteria: ACMG Guidelines, 2015. Collection method: clinical testing. Allele origin: germline.

CeGaT Center for Human Genetics Tuebingen
Classification: Likely benign. Last evaluated: 2024-07-01. Review status: criteria provided, single submitter. Criteria: CeGaT Center For Human Genetics Tuebingen Variant Classification Criteria Version 2. Collection method: clinical testing. Allele origin: germline. Affected: yes. Observed: 1 variant allele.
Comment: FREM2: BP4, BS2

Illumina Laboratory Services, Illumina
Classification: Uncertain significance for Fraser syndrome 2. Last evaluated: 2018-01-13. Review status: criteria provided, single submitter. Criteria: ICSL Variant Classification Criteria 13 December 2019. Collection method: clinical testing. Allele origin: germline.